The following is an entry in ClinVar:

NM_000256.3(MYBPC3):c.455_456del (p.Asp152fs)

Gene: MYBPC3 (myosin binding protein C3; minus strand). Cytogenetic location: 11p11.2.
Variant type: Deletion.
Coding change: c.455_456del on transcript NM_000256.3 (MANE Select); coding-DNA positions 455 to 456, 2 bases deleted (AC; older notation c.455_456delAC).
Protein change: p.Asp152fs; shifts the reading frame from aspartic acid 152.
Molecular consequence: frameshift variant.
Genome position (GRCh38, 1-based): chr11:47,350,063-47,350,064, GT deleted on the plus strand (AC on the coding strand, the reverse complement: MYBPC3 is on the minus strand). VCF-style (leftmost placement, unchanged base first): chr11-47350062-GGT-G. GRCh37 (hg19) VCF-style: chr11-47371613-GGT-G.
Other names: c.455_456del, p.Asp152fs (LRG_386t1); c.455_456delAC (NM_000256.3); short protein forms D152fs.
Identifiers: ClinVar variation 181108 (VCV000181108.6), dbSNP rs730880680, ClinGen allele CA015147.
Genomic context (GRCh38, chr11:47,350,062, plus strand): 5'-GCTCACACTCACCCACGGTCACCTCGCCATCCTGTGGCCGCATCACGAAGAGGCCAATGG[GGT>G]CATCGGGGGCTCCAGGGGTAGGACCATTGAGAGCTGCTGAGCTTGACCCTGTGAGCAAAG-3'

ClinVar aggregate classification (germline): Pathogenic. Review status: criteria provided, multiple submitters, no conflicts (2 of 4 stars). 2 submissions from 2 submitters: Pathogenic (2). Last evaluated 2022-06-02.

Conditions:
Hypertrophic cardiomyopathy. Also called: HYPERTROPHIC MYOCARDIOPATHY. Identifiers: Orphanet 217569, MedGen C0007194, MeSH D002312, MONDO:0005045, HP:0001639.

Allele frequency attached by ClinVar (database versions not stated): gnomAD exomes below 0.00001.

Submissions (2):

Labcorp Genetics (formerly Invitae), Labcorp
Classification: Pathogenic for Hypertrophic cardiomyopathy. Last evaluated: 2022-06-02. Review status: criteria provided, single submitter. Criteria: Invitae Variant Classification Sherloc (09022015). Collection method: clinical testing. Allele origin: germline.
Comment: This variant has not been reported in the literature in individuals affected with MYBPC3-related conditions. This variant is not present in population databases (gnomAD no frequency). This sequence change creates a premature translational stop signal (p.Asp152Alafs*88) in the MYBPC3 gene. It is expected to result in an absent or disrupted protein product. Loss-of-function variants in MYBPC3 are known to be pathogenic (PMID: 19574547). ClinVar contains an entry for this variant (Variation ID: 181108). For these reasons, this variant has been classified as Pathogenic.

GeneDx
Classification: Pathogenic. Last evaluated: 2013-07-24. Review status: criteria provided, single submitter. Criteria: GeneDx Variant Classification (06012015). Collection method: clinical testing. Allele origin: germline. Affected: yes.
Comment: Although the c.455_456delAC mutation in the MYBPC3 gene has not been reported to our knowledge, this mutation causes a shift in reading frame starting at codon Aspartic acid 152, changing it to an Alanine, and creating a premature stop codon at position 88 of the new reading frame, denoted p.Asp152AlafsX88. This mutation is expected to result in either an abnormal, truncated protein product or loss of protein from this allele through nonsense-mediated mRNA decay. Other frameshift mutations in the MYBPC3 gene have been reported in association with HCM. In summary, c.455_456delAC in the MYBPC3 gene is interpreted as a disease-causing mutation.

Literature cited by the submitters: PubMed 19574547 (cited by Labcorp Genetics (formerly Invitae), Labcorp).